The following is an entry in ClinVar:

NM_000414.4(HSD17B4):c.1954_1970del (p.Trp652fs)

Gene: HSD17B4 (hydroxysteroid 17-beta dehydrogenase 4; plus strand). Cytogenetic location: 5q23.1.
Variant type: Deletion.
Coding change: c.1954_1970del on transcript NM_000414.4 (MANE Select); coding-DNA positions 1954 to 1970, 17 bases deleted (TGGCATATAACCAAAGG).
Protein change: p.Trp652fs; shifts the reading frame from tryptophan 652.
Molecular consequence: frameshift variant. On other transcripts: non-coding transcript variant (2).
Genome position (GRCh38, 1-based): chr5:119,531,365-119,531,381, TGGCATATAACCAAAGG deleted; deleting any 17 consecutive bases within chr5:119,531,364-119,531,381 gives the same sequence; the c. name uses the placement nearest the transcript's 3' end. VCF-style (leftmost placement, unchanged base first): chr5-119531363-AGTGGCATATAACCAAAG-A. GRCh37 (hg19) VCF-style: chr5-118867058-AGTGGCATATAACCAAAG-A.
Other names: c.2029_2045del, p.Trp677fs (NM_001199291.3); c.1900_1916del, p.Trp634fs (NM_001199292.2); c.1882_1898del, p.Trp628fs (NM_001292027.2, NM_001374498.1); c.1534_1550del, p.Trp512fs (NM_001292028.2); c.1945_1961del, p.Trp649fs (NM_001374497.1); c.1627_1643del, p.Trp543fs (NM_001374499.1); c.1513_1529del, p.Trp505fs (NM_001374500.1); c.1543_1559del, p.Trp515fs (NM_001374501.1, NM_001374502.1, NM_001374503.1); short protein forms W505fs, W634fs, W515fs, W649fs, W677fs, W512fs, W543fs, W628fs.
Identifiers: ClinVar variation 1448621 (VCV001448621.6), dbSNP rs2126896587, ClinGen allele CA2573138669.
Genomic context (GRCh38, chr5:119,531,363, plus strand): 5'-TAGGACGCCGCCTAAAGGATATTGGGCCTGAGGTGGTGAAGAAAGTAAATGCTGTATTTG[AGTGGCATATAACCAAAG>A]GCGGAAATATTGGGGCTAAGTGGAGTAAGTTATAGCCCTGATTTTATAATATTCTAAGGT-3'

ClinVar aggregate classification (germline): Pathogenic (1 of 4 stars; one submission).

Conditions:
Bifunctional peroxisomal enzyme deficiency (DBIF). Also called: D-bifunctional protein deficiency; DBP DEFICIENCY; PBFE DEFICIENCY. Identifiers: Orphanet 300, MedGen C0342870, MONDO:0009855, OMIM 261515. Disease mechanism: loss of function.
Perrault syndrome. Also called: Gonadal dysgenesis with auditory dysfunction, autosomal recessive inheritance. Identifiers: Orphanet 2855, MedGen C0685838, MONDO:0017312.

Submission:

Labcorp Genetics (formerly Invitae), Labcorp
Classification: Pathogenic for Perrault syndrome; Bifunctional peroxisomal enzyme deficiency. Last evaluated: 2020-11-25. Review status: criteria provided, single submitter. Criteria: Invitae Variant Classification Sherloc (09022015). Collection method: clinical testing. Allele origin: germline.
Comment: This variant is not present in population databases (ExAC no frequency). For these reasons, this variant has been classified as Pathogenic. This variant has not been reported in the literature in individuals with HSD17B4-related conditions. This sequence change creates a premature translational stop signal (p.Trp652Argfs*6) in the HSD17B4 gene. It is expected to result in an absent or disrupted protein product. Loss-of-function variants in HSD17B4 are known to be pathogenic (PMID: 11810648, 16385454).

Literature cited by the submitters: PubMed 11810648; PubMed 16385454.